The following is an entry in ClinVar:

ClinVar aggregate classification (germline): Uncertain significance. Review status: criteria provided, multiple submitters, no conflicts (2 of 4 stars). 2 submissions from 2 submitters: Uncertain significance (2). Last evaluated 2023-10-22.

Conditions:
Neurodevelopmental disorder with microcephaly, impaired language, and gait abnormalities. Identifiers: MedGen C5436783, MONDO:0100348, OMIM 619091.

Allele frequency attached by ClinVar (database versions not stated): gnomAD exomes below 0.00001.
gnomAD v4.1: 2 of 1,613,320 alleles (0.00012%); highest among the groups gnomAD compares: Non-Finnish European, 0.00017%; no homozygotes.

Submissions (2):

GeneDx
Classification: Uncertain significance. Last evaluated: 2023-10-22. Review status: criteria provided, single submitter. Criteria: GeneDx Variant Classification Process June 2021. Collection method: clinical testing. Allele origin: germline. Affected: yes.
Comment: Identified by whole exome sequencing in a child with severe global developmental delay who also harbored a second NARS variant (PMID: 32738225); Not observed at significant frequency in large population cohorts (gnomAD); In silico analysis supports that this missense variant does not alter protein structure/function; This variant is associated with the following publications: (PMID: 32738225)

SIB Swiss Institute of Bioinformatics
Classification: Uncertain significance for Neurodevelopmental disorder with microcephaly, impaired language, and gait abnormalities. Last evaluated: 2021-05-10. Review status: criteria provided, single submitter. Criteria: ACMG Guidelines, 2015. Collection method: curation. Allele origin: unknown.
Comment: This variant is interpreted as a variant of uncertain significance for Neurodevelopmental disorder with microcephaly, impaired language, and gait abnormalities, autosomal recessive. The following ACMG Tag(s) were applied: Absent from controls (or at extremely low frequency if recessive) in Exome Sequencing Project, 1000 Genomes Project, or Exome Aggregation Consortium (PM2).

Literature cited by the submitters: PubMed 32738225 (cited by SIB Swiss Institute of Bioinformatics).

NM_004539.4(NARS1):c.178A>G (p.Lys60Glu)

Gene: NARS1 (asparaginyl-tRNA synthetase 1; minus strand). Cytogenetic location: 18q21.31.
Variant type: single nucleotide variant.
Coding change: c.178A>G on transcript NM_004539.4 (MANE Select); coding-DNA position 178, A replaced by G.
Protein change: p.Lys60Glu; replaces lysine 60 with glutamic acid.
Molecular consequence: missense variant.
Genome position (GRCh38, 1-based): chr18:57,615,891, T>C on the plus strand (A>G on the coding strand, the complement: NARS1 is on the minus strand). VCF-style: chr18-57615891-T-C. GRCh37 (hg19) VCF-style: chr18-55283123-T-C.
Other names: c.178A>G (NM_004539.3); short protein forms K60E.
Identifiers: ClinVar variation 1077112 (VCV001077112.4), dbSNP rs2122452114, ClinGen allele CA402553884.
Genomic context (GRCh38, chr18:57,615,891, plus strand): 5'-GGGATTCACTCTTCATTTGTTCCCTATGCCACATCTTTTTAATGTTCTTCAACTGTGATT[T>C]AGAAATAACATTCCACCTCTCATTTTCTTTTTGTGAATCTACGTAAATGGTAGGAAATGG-3'
Protein context (NP_004530.1, residues 50-70): KENERWNVIS[Lys60Glu]SQLKNIKKMW